The following is an entry in ClinVar:

ClinVar aggregate classification (germline): Uncertain significance (1 of 4 stars; one submission).

Conditions:
Multiple endocrine neoplasia, type 2 (MEN2). Identifiers: Orphanet 653, MedGen C4048306, MONDO:0019003. Disease mechanism: gain of function.

Submission:

Labcorp Genetics (formerly Invitae), Labcorp
Classification: Uncertain significance for Multiple endocrine neoplasia, type 2. Last evaluated: 2024-10-22. Review status: criteria provided, single submitter. Criteria: Invitae Variant Classification Sherloc (09022015). Collection method: clinical testing. Allele origin: germline.
Comment: This sequence change replaces alanine, which is neutral and non-polar, with serine, which is neutral and polar, at codon 807 of the RET protein (p.Ala807Ser). This variant is not present in population databases (gnomAD no frequency). This variant has not been reported in the literature in individuals affected with RET-related conditions. ClinVar contains an entry for this variant (Variation ID: 953827). An algorithm developed to predict the effect of missense changes on protein structure and function (PolyPhen-2) suggests that this variant is likely to be disruptive. In summary, the available evidence is currently insufficient to determine the role of this variant in disease. Therefore, it has been classified as a Variant of Uncertain Significance.

NM_020975.6(RET):c.2419G>T (p.Ala807Ser)

Gene: RET (ret proto-oncogene; plus strand). Cytogenetic location: 10q11.21.
Variant type: single nucleotide variant.
Coding change: c.2419G>T on transcript NM_020975.6 (MANE Select); coding-DNA position 2419, G replaced by T.
Protein change: p.Ala807Ser; replaces alanine 807 with serine.
Molecular consequence: missense variant.
Genome position (GRCh38, 1-based): chr10:43,119,557, G>T. VCF-style: chr10-43119557-G-T. GRCh37 (hg19) VCF-style: chr10-43615005-G-T.
Other names: c.2290G>T, p.Ala764Ser (NM_001406764.1, NM_001406761.1, NM_001406762.1); c.2284G>T, p.Ala762Ser (NM_001406765.1, NM_001406763.1); c.2131G>T, p.Ala711Ser (NM_001406766.1, NM_001406767.1, NM_001406770.1); c.2155G>T, p.Ala719Ser (NM_001406768.1); c.2023G>T, p.Ala675Ser (NM_001406769.1, NM_001406772.1); c.1981G>T, p.Ala661Ser (NM_001406771.1, NM_001406773.1); c.1894G>T, p.Ala632Ser (NM_001406774.1); c.1693G>T, p.Ala565Ser (NM_001406775.1, NM_001406776.1, NM_001406777.1 and 1 more transcripts); and 10 more; short protein forms A807S, A553S, A412S, A324S, A477S, A508S, A675S, A711S.
Identifiers: ClinVar variation 953827 (VCV000953827.10), dbSNP rs760012685, ClinGen allele CA376556084.